The following is an entry in ClinVar:

NM_152296.5(ATP1A3):c.757G>A (p.Asp253Asn)

Gene: ATP1A3 (ATPase Na+/K+ transporting subunit alpha 3; minus strand). Cytogenetic location: 19q13.2.
Variant type: single nucleotide variant.
Coding change: c.757G>A on transcript NM_152296.5 (MANE Select); coding-DNA position 757, G replaced by A.
Protein change: p.Asp253Asn; replaces aspartic acid 253 with asparagine.
Molecular consequence: missense variant.
Genome position (GRCh38, 1-based): chr19:41,985,154, C>T on the plus strand (G>A on the coding strand, the complement: ATP1A3 is on the minus strand). VCF-style: chr19-41985154-C-T. GRCh37 (hg19) VCF-style: chr19-42489306-C-T.
Other names: c.790G>A, p.Asp264Asn (NM_001256213.2); c.796G>A, p.Asp266Asn (NM_001256214.2); short protein forms D253N, D266N, D264N.
Identifiers: ClinVar variation 390483 (VCV000390483.5), dbSNP rs1057523788, ClinGen allele CA16608258.
Genomic context (GRCh38, chr19:41,985,154, plus strand): 5'-GCGTCTTGCCCACCTCCAGCCCTGATGCCAGGGTGGCGATACGGCCCATGACAGTGCGGT[C>T]GCCCGTGGCCACCACCACGCCCCGAGCCGTGCCTGCAGGCCAGAGGGGTTAGGCTGAGGT-3'
Protein context (NP_689509.1, residues 243-263): TARGVVVATG[Asp253Asn]RTVMGRIATL

ClinVar aggregate classification (germline): Uncertain significance. Review status: criteria provided, multiple submitters, no conflicts (2 of 4 stars). 2 submissions from 2 submitters: Uncertain significance (2). Last evaluated 2017-06-30.

Conditions:
Inborn genetic diseases. Identifiers: MedGen C0950123, MeSH D030342.

Allele frequency attached by ClinVar (database versions not stated): gnomAD exomes below 0.00001.
gnomAD v4.1: 4 of 1,613,222 alleles (0.00025%); highest among the groups gnomAD compares: Non-Finnish European, 0.00034%; no homozygotes.

Submissions (2):

Ambry Genetics
Classification: Uncertain significance for Inborn genetic diseases. Last evaluated: 2017-06-30. Review status: criteria provided, single submitter. Criteria: Ambry exome assertion method (8-5-2015). Collection method: clinical testing. Allele origin: germline. Affected: yes. Observed: 1 variant allele.

GeneDx
Classification: Uncertain significance. Last evaluated: 2016-11-01. Review status: criteria provided, single submitter. Criteria: GeneDx Variant Classification (06012015). Collection method: clinical testing. Allele origin: germline. Affected: yes.
Comment: The D253N variant in the ATP1A3 gene has not been reported previously as a pathogenic variant, nor as a benign variant, to our knowledge. The D253N variant was not observed in approximately 6500 individuals of European and African American ancestry in the NHLBI Exome Sequencing Project, indicating it is not a common benign variant in these populations. The D253N variant is a semi-conservative amino acid substitution, which may impact secondary protein structure as these residues differ in some properties. This substitution occurs at a position that is conserved across species and in silico analysis predicts this variant is probably damaging to the protein structure/function. Therefore, we interpret D253N as a variant of uncertain significance.